The following is an entry in ClinVar:

NM_014026.6(DCPS):c.329A>G (p.Asn110Ser)

Gene: DCPS (decapping enzyme, scavenger; plus strand). Cytogenetic location: 11q24.2.
Variant type: single nucleotide variant.
Coding change: c.329A>G on transcript NM_014026.6 (MANE Select); coding-DNA position 329, A replaced by G.
Protein change: p.Asn110Ser; replaces asparagine 110 with serine.
Molecular consequence: missense variant.
Genome position (GRCh38, 1-based): chr11:126,306,697, A>G. VCF-style: chr11-126306697-A-G. GRCh37 (hg19) VCF-style: chr11-126176592-A-G.
Other names: c.350A>G, p.Asn117Ser (NM_001350236.2); short protein forms N117S, N110S.
Identifiers: ClinVar variation 1031229 (VCV001031229.1), dbSNP rs375853628, ClinGen allele CA6354945.

ClinVar aggregate classification (germline): Uncertain significance (1 of 4 stars; one submission).

Conditions:
Al-Raqad syndrome. Identifiers: MedGen C4085595, MONDO:0014648, OMIM 616459.

Allele frequency attached by ClinVar (database versions not stated): gnomAD exomes 0.00001 and 0.00002; ExAC 0.00003; gnomAD 0.00004; TOPMed 0.00005; ESP Exome Variant Server 0.00008.
gnomAD v4.1: 18 of 1,613,466 alleles (0.0011%); highest among the groups gnomAD compares: African/African-American, 0.0067%; no homozygotes.

Submission:

Baylor Genetics
Classification: Uncertain significance for Al-Raqad syndrome. Last evaluated: 2020-05-19. Review status: criteria provided, single submitter. Criteria: ACMG Guidelines, 2015. Collection method: clinical testing. Allele origin: unknown. Affected: yes.
Comment: This variant was determined to be of uncertain significance according to ACMG Guidelines, 2015 [PMID:25741868].